The following is an entry in ClinVar:

ClinVar aggregate classification (germline): Pathogenic (1 of 4 stars; one submission).

Conditions:
Cardiovascular phenotype. Identifiers: MedGen CN230736.
Hereditary cancer-predisposing syndrome. Also called: Neoplastic Syndromes, Hereditary; Tumor predisposition; Hereditary neoplastic syndrome; Hereditary Cancer Syndrome. Identifiers: Orphanet 140162, MedGen C0027672, MeSH D009386, MONDO:0015356.

Submission:

Ambry Genetics
Classification: Pathogenic for Cardiovascular phenotype; Hereditary cancer-predisposing syndrome. Last evaluated: 2026-08-17. Review status: criteria provided, single submitter. Criteria: Ambry Variant Classification Scheme 2023. Collection method: clinical testing. Allele origin: germline.
Comment: The c.181_182delAT pathogenic mutation, located in coding exon 2 of the NF1 gene, results from a deletion of two nucleotides at nucleotide positions 181 to 182, causing a translational frameshift with a predicted alternate stop codon (p.I61Ffs*5). This variant is considered to be rare based on population cohorts in the Genome Aggregation Database (gnomAD). This variant is expected to result in loss of function by premature protein truncation or nonsense-mediated mRNA decay. As such, this variant is interpreted as a disease-causing mutation.

NM_001042492.3(NF1):c.181_182del (p.Ile61fs)

Gene: NF1 (neurofibromin 1; plus strand). Cytogenetic location: 17q11.2.
Variant type: Deletion.
Coding change: c.181_182del on transcript NM_001042492.3 (MANE Select); coding-DNA positions 181 to 182, 2 bases deleted (AT; older notation c.181_182delAT).
Protein change: p.Ile61fs; shifts the reading frame from isoleucine 61.
Molecular consequence: frameshift variant.
Genome position (GRCh38, 1-based): chr17:31,156,103-31,156,104, AT deleted; deleting any 2 consecutive bases within chr17:31,156,102-31,156,104 gives the same sequence; the c. name uses the placement nearest the transcript's 3' end. VCF-style (leftmost placement, unchanged base first): chr17-31156101-CTA-C. GRCh37 (hg19) VCF-style: chr17-29483119-CTA-C.
Other names: c.181_182del, p.Ile61fs (NM_000267.4, NM_001128147.3); short protein forms I61fs.
Identifiers: ClinVar variation 5025623 (VCV005025623.1).